The following is an entry in ClinVar:

NM_014915.3(ANKRD26):c.4115A>T (p.Lys1372Met)

Gene: ANKRD26 (ankyrin repeat domain 26; minus strand). Cytogenetic location: 10p12.1.
Variant type: single nucleotide variant.
Coding change: c.4115A>T on transcript NM_014915.3 (MANE Select); coding-DNA position 4115, A replaced by T.
Protein change: p.Lys1372Met; replaces lysine 1372 with methionine.
Molecular consequence: missense variant.
Genome position (GRCh38, 1-based): chr10:27,022,658, T>A on the plus strand (A>T on the coding strand, the complement: ANKRD26 is on the minus strand). VCF-style: chr10-27022658-T-A. GRCh37 (hg19) VCF-style: chr10-27311587-T-A.
Other names: c.4112A>T, p.Lys1371Met (NM_001256053.2); short protein forms K1371M, K1372M.
Identifiers: ClinVar variation 4859364 (VCV004859364.1).

ClinVar aggregate classification (germline): Uncertain significance (1 of 4 stars; one submission).

Conditions:
Inborn genetic diseases. Identifiers: MedGen C0950123, MeSH D030342.

Submission:

Ambry Genetics
Classification: Uncertain significance for Inborn genetic diseases. Last evaluated: 2026-04-18. Review status: criteria provided, single submitter. Criteria: Ambry Variant Classification Scheme 2023. Collection method: clinical testing. Allele origin: germline.
Comment: The p.K1372M variant (also known as c.4115A>T), located in coding exon 29 of the ANKRD26 gene, results from an A to T substitution at nucleotide position 4115. The lysine at codon 1372 is replaced by methionine, an amino acid with similar properties. This amino acid position is conserved. In addition, this alteration is predicted to be tolerated by in silico analysis. Based on the available evidence, the clinical significance of this variant remains unclear.